The following is an entry in ClinVar:

ClinVar aggregate classification (germline): Conflicting classifications of pathogenicity. Review status: criteria provided, conflicting classifications (1 of 4 stars). 4 submissions from 4 submitters: Likely pathogenic (3); Uncertain significance (1). Last evaluated 2026-09-10.

Conditions:
Neurofibromatosis, type 1 (NF1). Also called: VON RECKLINGHAUSEN DISEASE; NEUROFIBROMATOSIS, TYPE I, SOMATIC; Peripheral type neurofibromatosis; Neurofibromatosis, type I. Identifiers: Orphanet 636, MedGen C0027831, MONDO:0018975, OMIM 162200. Disease mechanism: loss of function.
Neurofibromatosis, familial spinal (FSNF). Identifiers: Orphanet 636, MedGen C1834235, MONDO:0008078, OMIM 162210. Disease mechanism: loss of function.
Neurofibromatosis-Noonan syndrome (NFNS). Also called: NEUROFIBROMATOSIS WITH NOONAN PHENOTYPE. Identifiers: Orphanet 638, MedGen C2931482, MONDO:0011035, OMIM 601321. Disease mechanism: loss of function.
Café-au-lait macules with pulmonary stenosis (WTSN). Also called: PULMONIC STENOSIS WITH CAFE-AU-LAIT SPOTS. Identifiers: MedGen C0553586, MONDO:0008672, OMIM 193520.
Juvenile myelomonocytic leukemia (JMML). Also called: LEUKEMIA, JUVENILE MYELOMONOCYTIC, SOMATIC. Identifiers: Orphanet 86834, MedGen C0349639, MONDO:0011908, OMIM 607785, HP:0012209.

Submissions (4):

Institute of Medical Genetics and Applied Genomics, University Hospital Tübingen
Classification: Likely pathogenic for Neurofibromatosis, type 1. Last evaluated: 2026-09-10. Review status: criteria provided, single submitter. Criteria: ACMG Guidelines, 2015. Collection method: clinical testing. Allele origin: germline. Inheritance: Autosomal dominant inheritance. Affected: yes.

GeneDx
Classification: Uncertain significance. Last evaluated: 2026-07-22. Review status: criteria provided, single submitter. Criteria: GeneDx Variant Classification Process June 2021. Collection method: clinical testing. Allele origin: germline.
Comment: Not observed at significant frequency in large population cohorts (gnomAD); In silico analysis supports that this missense variant has a deleterious effect on protein structure/function; In silico analysis suggests this variant may impact gene splicing. In the absence of RNA/functional studies, the actual effect of this sequence change is unknown.; This variant is associated with the following publications: (PMID: 35885913)

Labcorp Genetics (formerly Invitae), Labcorp
Classification: Likely pathogenic for Neurofibromatosis, type 1. Last evaluated: 2024-07-26. Review status: criteria provided, single submitter. Criteria: Invitae Variant Classification Sherloc (09022015). Collection method: clinical testing. Allele origin: germline.
Comment: This sequence change replaces serine, which is neutral and polar, with arginine, which is basic and polar, at codon 1891 of the NF1 protein (p.Ser1891Arg). This variant is not present in population databases (gnomAD no frequency). This missense change has been observed in individuals with neurofibromatosis type I (PMID: 35885913; Invitae). ClinVar contains an entry for this variant (Variation ID: 2134816). Advanced modeling of protein sequence and biophysical properties (such as structural, functional, and spatial information, amino acid conservation, physicochemical variation, residue mobility, and thermodynamic stability) performed at Invitae indicates that this missense variant is expected to disrupt NF1 protein function with a positive predictive value of 95%. Algorithms developed to predict the effect of sequence changes on RNA splicing suggest that this variant may disrupt the consensus splice site. In summary, the currently available evidence indicates that the variant is pathogenic, but additional data are needed to prove that conclusively. Therefore, this variant has been classified as Likely Pathogenic.

Juno Genomics, Hangzhou Juno Genomics, Inc
Classification: Likely pathogenic for Juvenile myelomonocytic leukemia; Neurofibromatosis, familial spinal; Neurofibromatosis, type 1; Neurofibromatosis-Noonan syndrome; Café-au-lait macules with pulmonary stenosis. Review status: criteria provided, single submitter. Criteria: ACMG Guidelines, 2015. Collection method: clinical testing. Allele origin: germline. Affected: yes.
Comment: Absent from controls (or at extremely low frequency if recessive) in Genome Aggregation Database, Exome Sequencing Project, 1000 Genomes Project, or Exome Aggregation Consortium.;Multiple lines of computational evidence support a deleterious effect on the gene or gene product (conservation, evolutionary, splicing impact, etc).;Patient's phenotype or family history is highly specific for a disease with a single genetic etiology.;The prevalence of the variant in affected individuals is significantly increased compared to the prevalence in controls.;Assumed de novo, but without confirmation of paternity and maternity.

Literature cited by the submitters: PubMed 35885913 (cited by Labcorp Genetics (formerly Invitae), Labcorp).

NM_001042492.3(NF1):c.5736T>G (p.Ser1912Arg)

Gene: NF1 (neurofibromin 1; plus strand). Cytogenetic location: 17q11.2.
Variant type: single nucleotide variant.
Coding change: c.5736T>G on transcript NM_001042492.3 (MANE Select); coding-DNA position 5736, T replaced by G.
Protein change: p.Ser1912Arg; replaces serine 1912 with arginine.
Molecular consequence: missense variant.
Genome position (GRCh38, 1-based): chr17:31,330,422, T>G. VCF-style: chr17-31330422-T-G. GRCh37 (hg19) VCF-style: chr17-29657440-T-G.
Other names: c.5673T>G, p.Ser1891Arg (NM_000267.4); short protein forms S1912R, S1891R.
Identifiers: ClinVar variation 2134816 (VCV002134816.9), dbSNP rs2151544795, ClinGen allele CA399010363.
Genomic context (GRCh38, chr17:31,330,422, plus strand): 5'-ACTAGAGACATCAGGTTTATGTATCCCTGCCAACAACACCCTCTTTATTGTCTCTATTAG[T>G]AAGACACTGGCAGCCAATGAGCCACACCTCACGTTAGAATTTTTGGAAGAGTGTATTTCT-3'
Protein context (NP_001035957.1, residues 1902-1922): ANNTLFIVSI[Ser1912Arg]KTLAANEPHL